The following is an entry in ClinVar:

NM_006796.3(AFG3L2):c.1402C>T (p.Arg468Cys)

Gene: AFG3L2 (AFG3 like matrix AAA peptidase subunit 2; minus strand). Cytogenetic location: 18p11.21.
Variant type: single nucleotide variant.
Coding change: c.1402C>T on transcript NM_006796.3 (MANE Select); coding-DNA position 1402, C replaced by T.
Protein change: p.Arg468Cys; replaces arginine 468 with cysteine.
Molecular consequence: missense variant.
Genome position (GRCh38, 1-based): chr18:12,351,330, G>A on the plus strand (C>T on the coding strand, the complement: AFG3L2 is on the minus strand). VCF-style: chr18-12351330-G-A. GRCh37 (hg19) VCF-style: chr18-12351329-G-A.
Other names: short protein forms R468C.
Identifiers: ClinVar variation 565275 (VCV000565275.6), dbSNP rs1020764190, ClinGen allele CA296700992.

ClinVar aggregate classification (germline): Pathogenic/Likely pathogenic. Review status: criteria provided, multiple submitters, no conflicts (2 of 4 stars). 4 submissions from 4 submitters: Pathogenic (1); Likely pathogenic (1). 2 of the submissions do not count toward it. Last evaluated 2024-04-05.

Conditions:
AFG3L2-related disorder. Also called: AFG3L2-related condition.
Optic atrophy 12. Also called: Optic Atrophy Type 12 (OPA12). Identifiers: MedGen C5436534, MONDO:0033549, OMIM 618977.
Optic atrophy. Identifiers: MedGen C0029124, MONDO:0003608, HP:0000648.

Submissions (4):

Institute of Human Genetics, University of Leipzig Medical Center
Classification: Pathogenic for Optic atrophy 12. Last evaluated: 2024-04-05. Review status: criteria provided, single submitter. Criteria: ACMG Guidelines, 2015. Collection method: clinical testing. Allele origin: paternal. Inheritance: Autosomal dominant inheritance. Affected: yes.
Comment: Criteria applied: PS3,PS2_MOD,PS4_MOD,PM1,PM2_SUP,PP3

Blueprint Genetics
Classification: Likely pathogenic for AFG3L2-related disorders. Last evaluated: 2020-11-19. Review status: criteria provided, single submitter. Criteria: ACMG Guidelines, 2015. Collection method: clinical testing. Allele origin: germline. Affected: yes. Observed: 1 variant allele.

OMIM
Classification: Pathogenic for OPTIC ATROPHY 12. Last evaluated: 2020-08-14. Review status: no assertion criteria provided. Collection method: literature only. Allele origin: germline. Not counted in ClinVar's aggregate classification.

Unit of Genetics of Neurodegenerative and Metabolic Disease, Fondazione IRCCS Istituto Neurologico Carlo Besta
Classification: Pathogenic for optic atrophy. Last evaluated: 2018-08-06. Review status: no assertion criteria provided. Collection method: clinical testing. Allele origin: de novo. Inheritance: Sporadic. Affected: yes. Observed: 1 heterozygote. Not counted in ClinVar's aggregate classification.
Comment: Functional analysis in yeast model demonstrated that p.R468C abolished AFG3L2 function.

Literature cited by the submitters: PubMed 26539208 (cited by OMIM); PubMed 29181157 (cited by OMIM).